The following is an entry in ClinVar:

NM_001375808.2(LPIN2):c.1843G>T (p.Glu615Ter)

Gene: LPIN2 (lipin 2; minus strand). Cytogenetic location: 18p11.31.
Variant type: single nucleotide variant.
Coding change: c.1843G>T on transcript NM_001375808.2 (MANE Select); coding-DNA position 1843, G replaced by T.
Protein change: p.Glu615Ter; replaces glutamic acid 615 with a stop codon.
Molecular consequence: nonsense.
Genome position (GRCh38, 1-based): chr18:2,925,319, C>A on the plus strand (G>T on the coding strand, the complement: LPIN2 is on the minus strand). VCF-style: chr18-2925319-C-A. GRCh37 (hg19) VCF-style: chr18-2925317-C-A.
Other names: c.1843G>T, p.Glu615Ter (NM_001375809.1, NM_014646.2); short protein forms E615*.
Identifiers: ClinVar variation 1075334 (VCV001075334.7), dbSNP rs2144133234, ClinGen allele CA401701959.

ClinVar aggregate classification (germline): Pathogenic (1 of 4 stars; one submission).

Conditions:
Majeed syndrome (MJDS). Also called: LPIN2-Related Majeed Syndrome; CHRONIC RECURRENT MULTIFOCAL OSTEOMYELITIS 1, WITH CONGENITAL DYSERYTHROPOIETIC ANEMIA, WITH OR WITHOUT NEUTROPHILIC DERMATOSIS. Identifiers: Orphanet 77297, MedGen C1864997, MONDO:0012316, OMIM 609628.

Submission:

Labcorp Genetics (formerly Invitae), Labcorp
Classification: Pathogenic for Majeed syndrome. Last evaluated: 2020-07-08. Review status: criteria provided, single submitter. Criteria: Invitae Variant Classification Sherloc (09022015). Collection method: clinical testing. Allele origin: germline.
Comment: Loss-of-function variants in LPIN2 are known to be pathogenic (PMID: 15994876, 23087183). This sequence change creates a premature translational stop signal (p.Glu615*) in the LPIN2 gene. It is expected to result in an absent or disrupted protein product. This variant is not present in population databases (ExAC no frequency). This variant has not been reported in the literature in individuals with LPIN2-related conditions. For these reasons, this variant has been classified as Pathogenic.

Literature cited by the submitters: PubMed 15994876; PubMed 23087183.